The following is an entry in ClinVar:

ClinVar aggregate classification (germline): Conflicting classifications of pathogenicity. Review status: criteria provided, conflicting classifications (1 of 4 stars). 4 submissions from 4 submitters: Uncertain significance (3); Likely benign (1). Last evaluated 2025-10-26.

Conditions:
FLCN-related disorder. Also called: FLCN-related condition.
Hereditary cancer-predisposing syndrome. Also called: Neoplastic Syndromes, Hereditary; Tumor predisposition; Hereditary Cancer Syndrome; Hereditary neoplastic syndrome. Identifiers: Orphanet 140162, MedGen C0027672, MeSH D009386, MONDO:0015356.
Birt-Hogg-Dube syndrome. Also called: Birt Hogg Dubé syndrome. Identifiers: Orphanet 122, MedGen C0346010, MONDO:0800444.

Allele frequency attached by ClinVar (database versions not stated): ExAC 0.00001; gnomAD 0.00001 and 0.00002; gnomAD exomes 0.00002; TOPMed 0.00003.
gnomAD v4.1: 27 of 1,614,020 alleles (0.0017%); highest among the groups gnomAD compares: African/African-American, 0.0027%; no homozygotes.

Submissions (4):

Labcorp Genetics (formerly Invitae), Labcorp
Classification: Uncertain significance for Birt-Hogg-Dube syndrome. Last evaluated: 2025-10-26. Review status: criteria provided, single submitter. Criteria: Invitae Variant Classification Sherloc (09022015). Collection method: clinical testing. Allele origin: germline.
Comment: This sequence change replaces glutamic acid, which is acidic and polar, with lysine, which is basic and polar, at codon 83 of the FLCN protein (p.Glu83Lys). This variant is present in population databases (rs757060348, gnomAD 0.006%). This variant has not been reported in the literature in individuals affected with FLCN-related conditions. ClinVar contains an entry for this variant (Variation ID: 390184). An algorithm developed to predict the effect of missense changes on protein structure and function (PolyPhen-2) suggests that this variant is likely to be tolerated. In summary, the available evidence is currently insufficient to determine the role of this variant in disease. Therefore, it has been classified as a Variant of Uncertain Significance.

PreventionGenetics, part of Exact Sciences
Classification: Uncertain significance for FLCN-related condition. Last evaluated: 2025-05-27. Review status: criteria provided, single submitter. Criteria: ACMG Guidelines, 2015. Collection method: clinical testing. Allele origin: germline.
Comment: The FLCN c.247G>A variant is predicted to result in the amino acid substitution p.Glu83Lys. To our knowledge, this variant has not been reported in the literature. This variant is reported in 0.0054% of alleles in individuals of East Asian descent in gnomAD and has conflicting interpretations regarding its pathogenicity in ClinVar, ranging from likely benign to uncertain. At this time, the clinical significance of this variant is uncertain due to the absence of conclusive functional and genetic evidence.

GeneDx
Classification: Uncertain significance. Last evaluated: 2024-01-28. Review status: criteria provided, single submitter. Criteria: GeneDx Variant Classification Process June 2021. Collection method: clinical testing. Allele origin: germline. Affected: yes.
Comment: Not observed at significant frequency in large population cohorts (gnomAD); In silico analysis supports that this missense variant does not alter protein structure/function; Has not been previously published as pathogenic or benign to our knowledge

Ambry Genetics
Classification: Likely benign for Hereditary cancer-predisposing syndrome. Last evaluated: 2016-10-12. Review status: criteria provided, single submitter. Criteria: Ambry Variant Classification Scheme 2023. Collection method: clinical testing. Allele origin: germline.

NM_144997.7(FLCN):c.247G>A (p.Glu83Lys)

Gene: FLCN (folliculin; minus strand). Cytogenetic location: 17p11.2.
Variant type: single nucleotide variant.
Coding change: c.247G>A on transcript NM_144997.7 (MANE Select); coding-DNA position 247, G replaced by A.
Protein change: p.Glu83Lys; replaces glutamic acid 83 with lysine.
Molecular consequence: missense variant.
Genome position (GRCh38, 1-based): chr17:17,227,891, C>T on the plus strand (G>A on the coding strand, the complement: FLCN is on the minus strand). VCF-style: chr17-17227891-C-T. GRCh37 (hg19) VCF-style: chr17-17131205-C-T.
Other names: c.247G>A (LRG_325t1); c.247G>A, p.Glu83Lys (NM_001353229.2, NM_001353230.2, NM_001353231.2 and 1 more transcripts); short protein forms E83K.
Identifiers: ClinVar variation 390184 (VCV000390184.18), dbSNP rs757060348, ClinGen allele CA8416485.
Genomic context (GRCh38, chr17:17,227,891, plus strand): 5'-CCTGTCCATCCCACACCTACTGCAGGGATCACAAAACCAAGACCCCAAAGACACTTGCCT[C>T]GCACATGTCCGACTTTTTGGGCCCCGGGCTGCTGGACTCGACGCTGGCCCCCTCTGCGGG-3'
Protein context (NP_659434.2, residues 73-93): SPGPKKSDMC[Glu83Lys]GCRSLAAGHP